The following is an entry in ClinVar:

ClinVar aggregate classification (germline): Uncertain significance. Review status: criteria provided, multiple submitters, no conflicts (2 of 4 stars). 4 submissions from 3 submitters: Uncertain significance (4). Last evaluated 2022-08-16.

Conditions:
Inborn genetic diseases. Identifiers: MedGen C0950123, MeSH D030342.
Hypertrophic osteoarthropathy, primary, autosomal recessive, 1 (PHOAR1). Also called: PHO, AUTOSOMAL RECESSIVE. Identifiers: Orphanet 1525, Orphanet 2796, MedGen C4551679, MONDO:0024546, OMIM 259100.
Isolated congenital digital clubbing. Also called: ACROPACHY, HEREDITARY; CLUBBING OF DIGITS. Identifiers: Orphanet 217059, MedGen C0345408, MONDO:0007343, OMIM 119900.

Allele frequency attached by ClinVar (database versions not stated): ExAC 0.00003; gnomAD exomes 0.00003; TOPMed 0.00017; gnomAD 0.00019; ESP Exome Variant Server 0.00031.
gnomAD v4.1: 35 of 1,613,228 alleles (0.0022%); highest among the groups gnomAD compares: African/African-American, 0.043%; no homozygotes.

Submissions (4):

Ambry Genetics
Classification: Uncertain significance for Inborn genetic diseases. Last evaluated: 2022-08-16. Review status: criteria provided, single submitter. Criteria: Ambry Variant Classification Scheme 2023. Collection method: clinical testing. Allele origin: germline.

Labcorp Genetics (formerly Invitae), Labcorp
Classification: Uncertain significance. Last evaluated: 2022-04-19. Review status: criteria provided, single submitter. Criteria: Invitae Variant Classification Sherloc (09022015). Collection method: clinical testing. Allele origin: germline.
Comment: In summary, the available evidence is currently insufficient to determine the role of this variant in disease. Therefore, it has been classified as a Variant of Uncertain Significance. Algorithms developed to predict the effect of missense changes on protein structure and function (SIFT, PolyPhen-2, Align-GVGD) all suggest that this variant is likely to be tolerated. ClinVar contains an entry for this variant (Variation ID: 348201). This variant has not been reported in the literature in individuals affected with HPGD-related conditions. This variant is present in population databases (rs200207595, gnomAD 0.06%). This sequence change replaces serine, which is neutral and polar, with arginine, which is basic and polar, at codon 174 of the HPGD protein (p.Ser174Arg).

Illumina Laboratory Services, Illumina
Classification: Uncertain significance for Hypertrophic osteoarthropathy, primary, autosomal recessive, 1. Last evaluated: 2018-01-13. Review status: criteria provided, single submitter. Criteria: ICSL Variant Classification Criteria 13 December 2019. Collection method: clinical testing. Allele origin: germline.

Illumina Laboratory Services, Illumina
Classification: Uncertain significance for Isolated congenital digital clubbing. Last evaluated: 2018-01-13. Review status: criteria provided, single submitter. Criteria: ICSL Variant Classification Criteria 13 December 2019. Collection method: clinical testing. Allele origin: germline.

NM_000860.6(HPGD):c.520A>C (p.Ser174Arg)

Gene: HPGD (15-hydroxyprostaglandin dehydrogenase; minus strand). Cytogenetic location: 4q34.1.
Variant type: single nucleotide variant.
Coding change: c.520A>C on transcript NM_000860.6 (MANE Select); coding-DNA position 520, A replaced by C.
Protein change: p.Ser174Arg; replaces serine 174 with arginine.
Molecular consequence: missense variant. On other transcripts: intron variant (2).
Genome position (GRCh38, 1-based): chr4:174,493,293, T>G on the plus strand (A>C on the coding strand, the complement: HPGD is on the minus strand). VCF-style: chr4-174493293-T-G. GRCh37 (hg19) VCF-style: chr4-175414444-T-G.
Other names: c.157A>C, p.Ser53Arg (NM_001256301.1, NM_001256307.2); c.316A>C, p.Ser106Arg (NM_001256306.2); c.422-1199A>C (NM_001256305.2); c.499-1199A>C (NM_001145816.3); c.520A>C (NM_000860.4); short protein forms S174R, S106R, S53R.
Identifiers: ClinVar variation 348201 (VCV000348201.10), dbSNP rs200207595, ClinGen allele CA3142225.
Genomic context (GRCh38, chr4:174,493,293, plus strand): 5'-TTGATTCAAGGATGGCTGTGTTAACAAAGCCTGGACAAATGGCATTCAGTCTCACACCAC[T>G]GTTCATAAGATTAGCAGCCAACTGCCAATTAGAAGGTTGTAGGTTTCAGCAGTTTCATAA-3'
Protein context (NP_000851.2, residues 164-184): SAALAANLMN[Ser174Arg]GVRLNAICPG